The following is an entry in ClinVar:

ClinVar aggregate classification (germline): Benign/Likely benign. Review status: criteria provided, multiple submitters, no conflicts (2 of 4 stars). 3 submissions from 3 submitters: Benign (1); Likely benign (2). Last evaluated 2025-10-21.

Conditions:
Combined oxidative phosphorylation defect type 14. Also called: Combined oxidative phosphorylation deficiency 14. Identifiers: Orphanet 319519, MedGen C4755312, MONDO:0013986, OMIM 614946.

Allele frequency attached by ClinVar (database versions not stated): gnomAD 0.00006 and 0.00015; gnomAD exomes 0.00006 and 0.00028; TOPMed 0.00012; ExAC 0.00031; 1000 Genomes Project 30x 0.00094; 1000 Genomes Project 0.00120.
gnomAD v4.1: 119 of 1,614,136 alleles (0.0074%); highest among the groups gnomAD compares: East Asian, 0.23%; no homozygotes.

Submissions (3):

Labcorp Genetics (formerly Invitae), Labcorp
Classification: Benign for Combined oxidative phosphorylation defect type 14. Last evaluated: 2025-10-21. Review status: criteria provided, single submitter. Criteria: Invitae Variant Classification Sherloc (09022015). Collection method: clinical testing. Allele origin: germline.

Blueprint Genetics
Classification: Likely benign. Last evaluated: 2023-10-18. Review status: criteria provided, single submitter. Criteria: ACMG Guidelines, 2015. Collection method: clinical testing. Allele origin: germline.

CeGaT Center for Human Genetics Tuebingen
Classification: Likely benign. Last evaluated: 2022-07-01. Review status: criteria provided, single submitter. Criteria: CeGaT Center For Human Genetics Tuebingen Variant Classification Criteria Version 2. Collection method: clinical testing. Allele origin: germline. Affected: yes. Observed: 1 variant allele.
Comment: FARS2: BP4, BP7

NM_006567.5(FARS2):c.288C>T (p.His96=)

Genes: FARS2 (phenylalanyl-tRNA synthetase 2, mitochondrial; plus strand), LOC126859565 (CDK7 strongly-dependent group 2 enhancer GRCh37_chr6:5368745-5369944; plus strand). Cytogenetic location: 6p25.1.
Variant type: single nucleotide variant.
Coding change: c.288C>T on transcript NM_006567.5 (MANE Select); coding-DNA position 288, C replaced by T.
Protein change: p.His96=; no amino-acid change (histidine 96 retained).
Molecular consequence: synonymous variant. On other transcripts: intron variant (2).
Genome position (GRCh38, 1-based): chr6:5,368,858, C>T. VCF-style: chr6-5368858-C-T. GRCh37 (hg19) VCF-style: chr6-5369091-C-T.
Other names: c.288C>T, p.His96= (NM_001318872.2, NM_001374875.1, NM_001374876.1 and 5 more transcripts); c.-340-27775C>T (NM_001375260.1); c.-84-35684C>T (NM_001375259.1).
Identifiers: ClinVar variation 707470 (VCV000707470.35), dbSNP rs201410497, ClinGen allele CA3623619.
Genomic context (GRCh38, chr6:5,368,858, plus strand): 5'-GAACCTGCACAACCAGCAGCATCACCCTCTGTGGCTGATCAAGGAGAGGGTGAAGGAGCA[C>T]TTCTACAAGCAGTATGTGGGCCGCTTTGGGACCCCGTTGTTCTCGGTCTACGACAACCTT-3'
Protein context (NP_006558.1, residues 86-106): LWLIKERVKE[His96=]FYKQYVGRFG